The following is an entry in ClinVar:

ClinVar aggregate classification (germline): Uncertain significance (1 of 4 stars; one submission).

Conditions:
Familial episodic pain syndrome with predominantly lower limb involvement. Also called: Episodic pain syndrome, familial, 3. Identifiers: Orphanet 391384, Orphanet 391392, MedGen C3809899, MONDO:0014247, OMIM 615552.
Hereditary sensory and autonomic neuropathy type 7. Also called: Neuropathy, hereditary sensory and autonomic, type VII; HSAN VII. Identifiers: Orphanet 391397, MedGen C3809882, MONDO:0014244, OMIM 615548.

gnomAD v4.1: 1 of 1,591,984 alleles (0.000063%); highest among the groups gnomAD compares: Non-Finnish European, 0.000086%; no homozygotes.

Submission:

Labcorp Genetics (formerly Invitae), Labcorp
Classification: Uncertain significance for Familial episodic pain syndrome with predominantly lower limb involvement; Hereditary sensory and autonomic neuropathy type 7. Last evaluated: 2025-03-19. Review status: criteria provided, single submitter. Criteria: Invitae Variant Classification Sherloc (09022015). Collection method: clinical testing. Allele origin: germline.
Comment: This sequence change replaces glutamic acid, which is acidic and polar, with lysine, which is basic and polar, at codon 1162 of the SCN11A protein (p.Glu1162Lys). This variant is not present in population databases (gnomAD no frequency). This variant has not been reported in the literature in individuals affected with SCN11A-related conditions. Invitae Evidence Modeling of protein sequence and biophysical properties (such as structural, functional, and spatial information, amino acid conservation, physicochemical variation, residue mobility, and thermodynamic stability) indicates that this missense variant is not expected to disrupt SCN11A protein function with a negative predictive value of 80%. In summary, the available evidence is currently insufficient to determine the role of this variant in disease. Therefore, it has been classified as a Variant of Uncertain Significance.

NM_001349253.2(SCN11A):c.3484G>A (p.Glu1162Lys)

Gene: SCN11A (sodium voltage-gated channel alpha subunit 11; minus strand). Cytogenetic location: 3p22.2.
Variant type: single nucleotide variant.
Coding change: c.3484G>A on transcript NM_001349253.2 (MANE Select); coding-DNA position 3484, G replaced by A.
Protein change: p.Glu1162Lys; replaces glutamic acid 1162 with lysine.
Molecular consequence: missense variant.
Genome position (GRCh38, 1-based): chr3:38,872,204, C>T on the plus strand (G>A on the coding strand, the complement: SCN11A is on the minus strand). VCF-style: chr3-38872204-C-T. GRCh37 (hg19) VCF-style: chr3-38913695-C-T.
Other names: c.3484G>A, p.Glu1162Lys (NM_014139.3); short protein forms E1162K.
Identifiers: ClinVar variation 4785005 (VCV004785005.1).